The following is an entry in ClinVar:

ClinVar aggregate classification (germline): Pathogenic. Review status: criteria provided, multiple submitters, no conflicts (2 of 4 stars). 5 submissions from 5 submitters: Pathogenic (4). 1 of the submissions does not count toward it. Last evaluated 2024-10-10.

Conditions:
Susceptibility to nonsyndromic otitis media.
Netherton syndrome (NETH). Also called: NETHERTON DISEASE; ERYTHRODERMA, ICHTHYOSIFORM, WITH HYPOTRICHOSIS AND HYPER-IgE; COMEL-NETHERTON SYNDROME. Identifiers: Orphanet 634, MedGen C5574950, MONDO:0009735, OMIM 256500.
SPINK5-related disorder. Also called: SPINK5-related condition.

Submissions (5):

GeneDx
Classification: Pathogenic. Last evaluated: 2024-10-10. Review status: criteria provided, single submitter. Criteria: GeneDx Variant Classification Process June 2021. Collection method: clinical testing. Allele origin: germline. Affected: yes.
Comment: Nonsense variant predicted to result in protein truncation or nonsense mediated decay in a gene for which loss of function is a known mechanism of disease; This variant is associated with the following publications: (PMID: 25525159, 34138484, 34161654, 33534181, 30477583, 11511292, 27905021, 34909712, 32709676, 39189679, 26865388)

Blueprint Genetics
Classification: Pathogenic for SPINK5-related disorders. Last evaluated: 2023-09-11. Review status: criteria provided, single submitter. Criteria: ACMG Guidelines, 2015. Collection method: clinical testing. Allele origin: germline. Affected: yes. Observed: 5 variant alleles.

Mendelics
Classification: Pathogenic for Netherton syndrome. Last evaluated: 2019-05-28. Review status: criteria provided, single submitter. Criteria: Mendelics Assertion Criteria 2017. Collection method: clinical testing. Allele origin: unknown.

Illumina Laboratory Services, Illumina
Classification: Pathogenic for Netherton syndrome. Last evaluated: 2016-09-21. Review status: criteria provided, single submitter. Criteria: ICSL Variant Classification Criteria 09 May 2019. Collection method: clinical testing. Allele origin: germline.
Comment: The SPINK5 c.652C>T (p. Arg218Ter) stop-gained variant has been reported in two studies and is found in a total of 11 individuals with Netherton syndrome, including eight homozygotes and three compound heterozygotes, including a sibling pair (Sprecher et al. 2001; Hannula-Jouppi et al. 2016). The p.Arg218Ter variant was absent from at least 50 controls and is reported at a frequency of 0.00005 in the European (non-Finnish) population of the Exome Aggregation Consortium. Based on the evidence and due to the potential impact of stop-gained variants, the p.Arg218Ter variant is classified as pathogenic for Netherton syndrome. This variant was observed by ICSL as part of a predisposition screen in an ostensibly healthy population.

Santos-Cortez Lab, University of Colorado School of Medicine
Classification: Uncertain significance for Susceptibility to nonsyndromic otitis media. Last evaluated: 2020-04-18. Review status: no assertion criteria provided. Collection method: research. Allele origin: germline. Affected: yes. Not counted in ClinVar's aggregate classification.

Literature cited by the submitters: PubMed 26865388 (cited by Illumina Laboratory Services, Illumina); PubMed 11511292 (cited by Illumina Laboratory Services, Illumina).

NM_006846.4(SPINK5):c.652C>T (p.Arg218Ter)

Gene: SPINK5 (serine peptidase inhibitor Kazal type 5; plus strand). Cytogenetic location: 5q32.
Variant type: single nucleotide variant.
Coding change: c.652C>T on transcript NM_006846.4 (MANE Select); coding-DNA position 652, C replaced by T.
Protein change: p.Arg218Ter; replaces arginine 218 with a stop codon.
Molecular consequence: nonsense.
Genome position (GRCh38, 1-based): chr5:148,091,214, C>T. VCF-style: chr5-148091214-C-T. GRCh37 (hg19) VCF-style: chr5-147470777-C-T.
Other names: c.652C>T, p.Arg218Ter (NM_001127698.2, NM_001127699.2); short protein forms R218*.
Identifiers: ClinVar variation 351517 (VCV000351517.10), dbSNP rs199757347, ClinGen allele CA3495299.